The following is an entry in ClinVar:

ClinVar aggregate classification (germline): Uncertain significance (1 of 4 stars; one submission).

Conditions:
Autoimmune lymphoproliferative syndrome type 2A (ALPS2A). Also called: CASP10-Related Autoimmune Lymphoproliferative Syndrome; Autoimmune lymphoproliferative syndrome type 2; AUTOIMMUNE LYMPHOPROLIFERATIVE SYNDROME, TYPE IIA. Identifiers: Orphanet 3261, MedGen C1858968, MONDO:0011383, OMIM 603909.

Allele frequency attached by ClinVar (database versions not stated): gnomAD exomes below 0.00001.
gnomAD v4.1: 2 of 1,613,390 alleles (0.00012%); highest among the groups gnomAD compares: Non-Finnish European, 0.00017%; no homozygotes.

Submission:

Labcorp Genetics (formerly Invitae), Labcorp
Classification: Uncertain significance for Autoimmune lymphoproliferative syndrome type 2A. Last evaluated: 2023-08-24. Review status: criteria provided, single submitter. Criteria: Invitae Variant Classification Sherloc (09022015). Collection method: clinical testing. Allele origin: germline.
Comment: This sequence change replaces tyrosine, which is neutral and polar, with cysteine, which is neutral and slightly polar, at codon 84 of the CASP10 protein (p.Tyr84Cys). This variant is not present in population databases (gnomAD no frequency). This variant has not been reported in the literature in individuals affected with CASP10-related conditions. In summary, the available evidence is currently insufficient to determine the role of this variant in disease. Therefore, it has been classified as a Variant of Uncertain Significance. Advanced modeling of protein sequence and biophysical properties (such as structural, functional, and spatial information, amino acid conservation, physicochemical variation, residue mobility, and thermodynamic stability) performed at Invitae indicates that this missense variant is not expected to disrupt CASP10 protein function. ClinVar contains an entry for this variant (Variation ID: 1997473).

NM_032977.4(CASP10):c.251A>G (p.Tyr84Cys)

Gene: CASP10 (caspase 10; plus strand). Cytogenetic location: 2q33.1.
Variant type: single nucleotide variant.
Coding change: c.251A>G on transcript NM_032977.4 (MANE Select); coding-DNA position 251, A replaced by G.
Protein change: p.Tyr84Cys; replaces tyrosine 84 with cysteine.
Molecular consequence: missense variant.
Genome position (GRCh38, 1-based): chr2:201,186,028, A>G. VCF-style: chr2-201186028-A-G. GRCh37 (hg19) VCF-style: chr2-202050751-A-G.
Other names: c.251A>G, p.Tyr84Cys (NM_001206524.2, NM_001206542.2, NM_001230.5 and 3 more transcripts); short protein forms Y84C.
Identifiers: ClinVar variation 1997473 (VCV001997473.4), dbSNP rs2469360734, ClinGen allele CA350277911.